The following is an entry in ClinVar:

NM_001349338.3(FOXP1):c.1258G>A (p.Gly420Ser)

Gene: FOXP1 (forkhead box P1; minus strand). Cytogenetic location: 3p13.
Variant type: single nucleotide variant.
Coding change: c.1258G>A on transcript NM_001349338.3 (MANE Select); coding-DNA position 1258, G replaced by A.
Protein change: p.Gly420Ser; replaces glycine 420 with serine.
Molecular consequence: missense variant. On other transcripts: non-coding transcript variant (2).
Genome position (GRCh38, 1-based): chr3:70,977,918, C>T on the plus strand (G>A on the coding strand, the complement: FOXP1 is on the minus strand). VCF-style: chr3-70977918-C-T. GRCh37 (hg19) VCF-style: chr3-71027069-C-T.
Other names: c.1258G>A, p.Gly420Ser (NM_001244808.3, NM_001244810.2, NM_001244814.3 and 3 more transcripts); c.1030G>A, p.Gly344Ser (NM_001244812.3); c.958G>A, p.Gly320Ser (NM_001244813.3, NM_001244815.2, NM_001349342.3 and 1 more transcripts); c.955G>A, p.Gly319Ser (NM_001349337.2, NM_001349343.3, NM_001349344.3); c.1255G>A, p.Gly419Ser (NM_001349341.3); short protein forms G319S, G320S, G344S, G419S, G420S.
Identifiers: ClinVar variation 4744816 (VCV004744816.1).
Genomic context (GRCh38, chr3:70,977,918, plus strand): 5'-AGTACCGCCTGCGGATGGGTCCCACCGTGTGCATGCTGGTGGTTGTGATGACAGAGGGGC[C>T]TTGGGTGACGGGAGTCAGGGGGGCGGTTGGGGTCGTTGGAGTATGAGGTAAGCTCTGTGG-3'
Protein context (NP_001336267.1, residues 410-430): PTAPLTPVTQ[Gly420Ser]PSVITTTSMH

ClinVar aggregate classification (germline): Uncertain significance (1 of 4 stars; one submission).

Submission:

Labcorp Genetics (formerly Invitae), Labcorp
Classification: Uncertain significance. Last evaluated: 2025-03-19. Review status: criteria provided, single submitter. Criteria: Invitae Variant Classification Sherloc (09022015). Collection method: clinical testing. Allele origin: germline.
Comment: This sequence change replaces glycine, which is neutral and non-polar, with serine, which is neutral and polar, at codon 420 of the FOXP1 protein (p.Gly420Ser). This variant is not present in population databases (gnomAD no frequency). This variant has not been reported in the literature in individuals affected with FOXP1-related conditions. Invitae Evidence Modeling of protein sequence and biophysical properties (such as structural, functional, and spatial information, amino acid conservation, physicochemical variation, residue mobility, and thermodynamic stability) indicates that this missense variant is not expected to disrupt FOXP1 protein function with a negative predictive value of 80%. In summary, the available evidence is currently insufficient to determine the role of this variant in disease. Therefore, it has been classified as a Variant of Uncertain Significance.